The following is an entry in ClinVar:

NM_001868.4(CPA1):c.409_410delinsTT (p.Ala137Leu)

Gene: CPA1 (carboxypeptidase A1; plus strand). Cytogenetic location: 7q32.2.
Variant type: Indel.
Coding change: c.409_410delinsTT on transcript NM_001868.4 (MANE Select); coding-DNA positions 409 to 410, GC replaced by TT.
Protein change: p.Ala137Leu; replaces alanine 137 with leucine.
Molecular consequence: missense variant.
Genome position (GRCh38, 1-based): chr7:130,382,135-130,382,136, GC replaced by TT. VCF-style: chr7-130382135-GC-TT. GRCh37 (hg19) VCF-style: chr7-130021976-GC-TT.
Other names: short protein forms A137L.
Identifiers: ClinVar variation 1992561 (VCV001992561.4), dbSNP rs2536006270, ClinGen allele CA2580076667.

ClinVar aggregate classification (germline): Uncertain significance (1 of 4 stars; one submission).

Submission:

Labcorp Genetics (formerly Invitae), Labcorp
Classification: Uncertain significance. Last evaluated: 2025-04-07. Review status: criteria provided, single submitter. Criteria: Invitae Variant Classification Sherloc (09022015). Collection method: clinical testing. Allele origin: germline.
Comment: This variant, c.409_410delinsTT, is a complex sequence change that results in the deletion of 1 and insertion of 1 amino acid(s) in the CPA1 protein (p.Ala137Leu). Information on the frequency of this variant in the gnomAD database is not available, as this variant may be reported differently in the database. This variant has not been reported in the literature in individuals affected with CPA1-related conditions. ClinVar contains an entry for this variant (Variation ID: 1992561). An algorithm developed to predict the effect of missense changes on protein structure and function (PolyPhen-2) suggests that this variant is likely to be tolerated. In summary, the available evidence is currently insufficient to determine the role of this variant in disease. Therefore, it has been classified as a Variant of Uncertain Significance.